The following is an entry in ClinVar:

ClinVar aggregate classification (germline): Benign. Review status: criteria provided, multiple submitters, no conflicts (2 of 4 stars). 2 submissions from 2 submitters: Benign (2). Last evaluated 2018-01-13.

Conditions:
Hyperekplexia 2 (HKPX2). Identifiers: Orphanet 3197, MedGen C3553291, MONDO:0013828, OMIM 614619.

Allele frequency attached by ClinVar (database versions not stated): gnomAD exomes 0.23759; gnomAD 0.41064 and 0.41199; TOPMed 0.42626; 1000 Genomes Project 0.47145; 1000 Genomes Project 30x 0.47861.
gnomAD v4.1: 62,268 of 152,000 alleles (41%); highest among the groups gnomAD compares: African/African-American, 66%; 14,841 homozygotes.

Submissions (2):

Illumina Laboratory Services, Illumina
Classification: Benign for Hyperekplexia 2. Last evaluated: 2018-01-13. Review status: criteria provided, single submitter. Criteria: ICSL Variant Classification Criteria 13 December 2019. Collection method: clinical testing. Allele origin: germline.
Comment: This variant was observed in the ICSL laboratory as part of a predisposition screen in an ostensibly healthy population. It had not been previously curated by ICSL or reported in the Human Gene Mutation Database (HGMD: prior to June 1st, 2018), and was therefore a candidate for classification through an automated scoring system. Utilizing variant allele frequency, disease prevalence and penetrance estimates, and inheritance mode, an automated score was calculated to assess if this variant is too frequent to cause the disease. Based on the score and internal cut-off values, a variant classified as benign is not then subjected to further curation. The score for this variant resulted in a classification of benign for this disease.

Breakthrough Genomics
Classification: Benign. Review status: criteria provided, single submitter. Criteria: ACMG Guidelines, 2015. Collection method: not provided. Allele origin: germline. Inheritance: Autosomal recessive inheritance. Affected: yes.

NM_000824.5(GLRB):c.*542T>A

Gene: GLRB (glycine receptor beta; plus strand). Cytogenetic location: 4q32.1.
Variant type: single nucleotide variant.
Coding change: c.*542T>A on transcript NM_000824.5 (MANE Select); 542 bases downstream of the stop codon, T replaced by A.
Molecular consequence: 3 prime UTR variant.
Genome position (GRCh38, 1-based): chr4:157,171,270, T>A. VCF-style: chr4-157171270-T-A. GRCh37 (hg19) VCF-style: chr4-158092422-T-A.
Other names: c.*542T>A (NM_001166060.2); c.*831T>A (NM_001166061.2).
Identifiers: ClinVar variation 347940 (VCV000347940.6), dbSNP rs1129304, ClinGen allele CA10620338.
Genomic context (GRCh38, chr4:157,171,270, plus strand): 5'-TGTAAGTAGAAATATATCTGTTATAATTATACAGGCTCTGTGGAGAAATAAAGTTCAAAA[T>A]ATATTAATTTGTAAAATCAGCTCGTTTTAAAGTGTGCTTGTGTTGTCAAAAATATCAGAT-3'